The following is an entry in ClinVar:

Conditions:
Long QT syndrome 5 (LQT5). Identifiers: Orphanet 101016, Orphanet 768, MedGen C1867904, MONDO:0013372, OMIM 613695.

Submission:

Roden Lab, Vanderbilt University Medical Center
No classification provided (evidence only). Condition: Long QT syndrome 5. Review status: no classification provided. Collection method: in vitro. Allele origin: not applicable. Functional consequence: Effect on ion channel function.
ClinVar note: "not provided" was previously submitted as the classification for the variant. However, the classification appeared to be based only on an observation of functional data so it was converted to no classification on 2025-07-30.

NM_000219.6(KCNE1):c.368C>A (p.Pro123His)

Gene: KCNE1 (potassium voltage-gated channel subfamily E regulatory subunit 1; minus strand). Cytogenetic location: 21q22.12.
Variant type: single nucleotide variant.
Coding change: c.368C>A on transcript NM_000219.6 (MANE Select); coding-DNA position 368, C replaced by A.
Protein change: p.Pro123His; replaces proline 123 with histidine.
Molecular consequence: missense variant.
Genome position (GRCh38, 1-based): chr21:34,449,267, G>T on the plus strand (C>A on the coding strand, the complement: KCNE1 is on the minus strand). VCF-style: chr21-34449267-G-T. GRCh37 (hg19) VCF-style: chr21-35821565-G-T.
Other names: c.368C>A, p.Pro123His (NM_001127668.4, NM_001127669.4, NM_001127670.4 and 4 more transcripts); short protein forms P123H.
Identifiers: ClinVar variation 3373836 (VCV003373836.2).
Genomic context (GRCh38, chr21:34,449,267, plus strand): 5'-CCAGGCAGGATGTGTCCAGTTTTAGCCAGTGGTGGGGTTCATGGGGAAGGCTTCGTCTCA[G>T]GAAGGTGTGTGTTGGGTTGTTCTATGGCCAGATGGTTTTCAACGACATAGCACGACCTGT-3'
Protein context (NP_000210.2, residues 113-129): LAIEQPNTHL[Pro123His]ETKPSP